The following is an entry in ClinVar:

ClinVar aggregate classification (germline): Uncertain significance (1 of 4 stars; one submission).

Submission:

Labcorp Genetics (formerly Invitae), Labcorp
Classification: Uncertain significance. Last evaluated: 2020-07-09. Review status: criteria provided, single submitter. Criteria: Invitae Variant Classification Sherloc (09022015). Collection method: clinical testing. Allele origin: germline.
Comment: In summary, the available evidence is currently insufficient to determine the role of this variant in disease. Therefore, it has been classified as a Variant of Uncertain Significance. Experimental studies and prediction algorithms are not available or were not evaluated, and the functional significance of this variant is currently unknown. This variant has not been reported in the literature in individuals with RIMS1-related conditions. The frequency data for this variant in the population databases is considered unreliable, as metrics indicate insufficient coverage at this position in the ExAC database. This variant, c.1185_1211del, results in the deletion of 9 amino acid(s) of the RIMS1 protein (p.Arg397_Pro405del), but otherwise preserves the integrity of the reading frame.

NM_014989.7(RIMS1):c.1185_1211del (p.Arg397_Pro405del)

Gene: RIMS1 (regulating synaptic membrane exocytosis 1; plus strand). Cytogenetic location: 6q13.
Variant type: Deletion.
Coding change: c.1185_1211del on transcript NM_014989.7 (MANE Select); coding-DNA positions 1185 to 1211, 27 bases deleted (CCCGCGCACCGAGGCGGGCGCGGCGCT).
Protein change: p.Arg397_Pro405del.
Molecular consequence: inframe deletion.
Genome position (GRCh38, 1-based): chr6:72,182,656-72,182,682, CCCGCGCACCGAGGCGGGCGCGGCGCT deleted; deleting any 27 consecutive bases within chr6:72,182,650-72,182,682 gives the same sequence; the c. name uses the placement nearest the transcript's 3' end. VCF-style (leftmost placement, unchanged base first): chr6-72182649-TGGCGCTCCCGCGCACCGAGGCGGGCGC-T. GRCh37 (hg19) VCF-style: chr6-72892352-TGGCGCTCCCGCGCACCGAGGCGGGCGC-T.
Identifiers: ClinVar variation 1053076 (VCV001053076.9), dbSNP rs929895906, ClinGen allele CA141417518.